The following is an entry in ClinVar:

NM_001378454.1(ALMS1):c.6254C>T (p.Thr2085Ile)

Gene: ALMS1 (ALMS1 centrosome and basal body associated protein; plus strand). Cytogenetic location: 2p13.1.
Variant type: single nucleotide variant.
Coding change: c.6254C>T on transcript NM_001378454.1 (MANE Select); coding-DNA position 6254, C replaced by T.
Protein change: p.Thr2085Ile; replaces threonine 2085 with isoleucine.
Molecular consequence: missense variant.
Genome position (GRCh38, 1-based): chr2:73,452,781, C>T. VCF-style: chr2-73452781-C-T. GRCh37 (hg19) VCF-style: chr2-73679908-C-T.
Other names: c.6257C>T, p.Thr2086Ile (NM_015120.4); short protein forms T2085I, T2086I.
Identifiers: ClinVar variation 1433156 (VCV001433156.3), dbSNP rs1266867585, ClinGen allele CA347285441.

ClinVar aggregate classification (germline): Uncertain significance (1 of 4 stars; one submission).

Conditions:
Alstrom syndrome (ALMS). Identifiers: Orphanet 64, MedGen C0268425, MONDO:0008763, OMIM 203800.

Allele frequency attached by ClinVar (database versions not stated): gnomAD exomes below 0.00001.
gnomAD v4.1: 2 of 1,613,526 alleles (0.00012%); highest among the groups gnomAD compares: Admixed American, 0.0017%; no homozygotes.

Submission:

Labcorp Genetics (formerly Invitae), Labcorp
Classification: Uncertain significance for Alstrom syndrome. Last evaluated: 2021-12-19. Review status: criteria provided, single submitter. Criteria: Invitae Variant Classification Sherloc (09022015). Collection method: clinical testing. Allele origin: germline.
Comment: This sequence change replaces threonine, which is neutral and polar, with isoleucine, which is neutral and non-polar, at codon 2086 of the ALMS1 protein (p.Thr2086Ile). This variant is present in population databases (no rsID available, gnomAD 0.003%). This variant has not been reported in the literature in individuals affected with ALMS1-related conditions. Experimental studies and prediction algorithms are not available or were not evaluated, and the functional significance of this variant is currently unknown. In summary, the available evidence is currently insufficient to determine the role of this variant in disease. Therefore, it has been classified as a Variant of Uncertain Significance.